The following is an entry in ClinVar:

ClinVar aggregate classification (germline): Uncertain significance. Review status: criteria provided, multiple submitters, no conflicts (2 of 4 stars). 2 submissions from 2 submitters: Uncertain significance (2). Last evaluated 2022-07-22.

Allele frequency attached by ClinVar (database versions not stated): TOPMed 0.00003; gnomAD 0.00004; gnomAD exomes 0.00005.
gnomAD v4.1: 79 of 1,613,998 alleles (0.0049%); highest among the groups gnomAD compares: Non-Finnish European, 0.0059%; no homozygotes.

Submissions (2):

Labcorp Genetics (formerly Invitae), Labcorp
Classification: Uncertain significance. Last evaluated: 2022-07-22. Review status: criteria provided, single submitter. Criteria: Invitae Variant Classification Sherloc (09022015). Collection method: clinical testing. Allele origin: germline.
Comment: This sequence change replaces arginine, which is basic and polar, with glutamine, which is neutral and polar, at codon 484 of the COL18A1 protein (p.Arg484Gln). This variant is present in population databases (rs748764112, gnomAD 0.003%). This variant has not been reported in the literature in individuals affected with COL18A1-related conditions. ClinVar contains an entry for this variant (Variation ID: 1484704). Experimental studies and prediction algorithms are not available or were not evaluated, and the functional significance of this variant is currently unknown. In summary, the available evidence is currently insufficient to determine the role of this variant in disease. Therefore, it has been classified as a Variant of Uncertain Significance.

Blueprint Genetics
Classification: Uncertain significance. Last evaluated: 2022-07-18. Review status: criteria provided, single submitter. Criteria: ACMG Guidelines, 2015. Collection method: clinical testing. Allele origin: germline.

NM_001379500.1(COL18A1):c.1451G>A (p.Arg484Gln)

Gene: COL18A1 (collagen type XVIII alpha 1 chain; plus strand). Cytogenetic location: 21q22.3.
Variant type: single nucleotide variant.
Coding change: c.1451G>A on transcript NM_001379500.1 (MANE Select); coding-DNA position 1451, G replaced by A.
Protein change: p.Arg484Gln; replaces arginine 484 with glutamine.
Molecular consequence: missense variant.
Genome position (GRCh38, 1-based): chr21:45,480,519, G>A. VCF-style: chr21-45480519-G-A. GRCh37 (hg19) VCF-style: chr21-46900433-G-A.
Other names: c.1991G>A, p.Arg664Gln (NM_030582.4); c.2696G>A, p.Arg899Gln (NM_130444.3); short protein forms R899Q, R484Q, R664Q.
Identifiers: ClinVar variation 1484704 (VCV001484704.4), dbSNP rs748764112, ClinGen allele CA10066321.